The following is an entry in ClinVar:

NM_001170535.3(ATAD3A):c.1227T>C (p.Phe409=)

Gene: ATAD3A (ATPase family AAA domain containing 3A; plus strand). Cytogenetic location: 1p36.33.
Variant type: single nucleotide variant.
Coding change: c.1227T>C on transcript NM_001170535.3 (MANE Select); coding-DNA position 1227, T replaced by C.
Protein change: p.Phe409=; no amino-acid change (phenylalanine 409 retained).
Molecular consequence: synonymous variant.
Genome position (GRCh38, 1-based): chr1:1,525,252, T>C. VCF-style: chr1-1525252-T-C. GRCh37 (hg19) VCF-style: chr1-1460632-T-C.
Other names: c.990T>C, p.Phe330= (NM_001170536.3); c.1371T>C, p.Phe457= (NM_018188.5).
Identifiers: ClinVar variation 1675335 (VCV001675335.34), dbSNP rs575132198, ClinGen allele CA526279.

ClinVar aggregate classification (germline): Conflicting classifications of pathogenicity. Review status: criteria provided, conflicting classifications (1 of 4 stars). 2 submissions from 2 submitters: Uncertain significance (1); Likely benign (1). Last evaluated 2025-11-04.

Allele frequency attached by ClinVar (database versions not stated): gnomAD exomes 0.00004 and 0.00008; ExAC 0.00012; 1000 Genomes Project 0.00020; gnomAD 0.00024 and 0.00027; TOPMed 0.00028; 1000 Genomes Project 30x 0.00031.
gnomAD v4.1: 101 of 1,613,846 alleles (0.0063%); highest among the groups gnomAD compares: African/African-American, 0.076%; no homozygotes.

Submissions (2):

Greenwood Genetic Center Diagnostic Laboratories, Greenwood Genetic Center
Classification: Uncertain significance. Last evaluated: 2025-11-04. Review status: criteria provided, single submitter. Criteria: ACMG Guidelines, 2015. Collection method: clinical testing. Allele origin: germline. Affected: yes.
Comment: PM2

CeGaT Center for Human Genetics Tuebingen
Classification: Likely benign. Last evaluated: 2022-02-01. Review status: criteria provided, single submitter. Criteria: CeGaT Center For Human Genetics Tuebingen Variant Classification Criteria Version 2. Collection method: clinical testing. Allele origin: germline. Affected: yes. Observed: 1 variant allele.